The following is an entry in ClinVar:

ClinVar aggregate classification (germline): Uncertain significance (1 of 4 stars; one submission).

Allele frequency attached by ClinVar (database versions not stated): gnomAD exomes 0.00002.
gnomAD v4.1: 20 of 984,644 alleles (0.002%); highest among the groups gnomAD compares: Non-Finnish European, 0.0023%; no homozygotes.

Submission:

Labcorp Genetics (formerly Invitae), Labcorp
Classification: Uncertain significance. Last evaluated: 2023-11-25. Review status: criteria provided, single submitter. Criteria: Invitae Variant Classification Sherloc (09022015). Collection method: clinical testing. Allele origin: germline.
Comment: This sequence change replaces tyrosine, which is neutral and polar, with serine, which is neutral and polar, at codon 53 of the FOXI3 protein (p.Tyr53Ser). The frequency data for this variant in the population databases is considered unreliable, as metrics indicate insufficient coverage at this position in the gnomAD database. This variant has not been reported in the literature in individuals affected with FOXI3-related conditions. Algorithms developed to predict the effect of missense changes on protein structure and function output the following: SIFT: "Not Available"; PolyPhen-2: "Not Available"; Align-GVGD: "Not Available". The serine amino acid residue is found in multiple mammalian species, which suggests that this missense change does not adversely affect protein function. In summary, the available evidence is currently insufficient to determine the role of this variant in disease. Therefore, it has been classified as a Variant of Uncertain Significance.

NM_001135649.3(FOXI3):c.158A>C (p.Tyr53Ser)

Gene: FOXI3 (forkhead box I3; minus strand). Cytogenetic location: 2p11.2.
Variant type: single nucleotide variant.
Coding change: c.158A>C on transcript NM_001135649.3 (MANE Select); coding-DNA position 158, A replaced by C.
Protein change: p.Tyr53Ser; replaces tyrosine 53 with serine.
Molecular consequence: missense variant.
Genome position (GRCh38, 1-based): chr2:88,452,378, T>G on the plus strand (A>C on the coding strand, the complement: FOXI3 is on the minus strand). VCF-style: chr2-88452378-T-G. GRCh37 (hg19) VCF-style: chr2-88751896-T-G.
Other names: short protein forms Y53S.
Identifiers: ClinVar variation 2899765 (VCV002899765.3), dbSNP rs965794015, ClinGen allele CA347766936.